The following is an entry in ClinVar:

NM_032119.4(ADGRV1):c.15391G>T (p.Ala5131Ser)

Gene: ADGRV1 (adhesion G protein-coupled receptor V1; plus strand). Cytogenetic location: 5q14.3.
Variant type: single nucleotide variant.
Coding change: c.15391G>T on transcript NM_032119.4 (MANE Select); coding-DNA position 15391, G replaced by T.
Protein change: p.Ala5131Ser; replaces alanine 5131 with serine.
Molecular consequence: missense variant. On other transcripts: non-coding transcript variant (1).
Genome position (GRCh38, 1-based): chr5:90,810,651, G>T. VCF-style: chr5-90810651-G-T. GRCh37 (hg19) VCF-style: chr5-90106468-G-T.
Other names: short protein forms A5131S.
Identifiers: ClinVar variation 1317938 (VCV001317938.3), dbSNP rs947683767, ClinGen allele CA122821663.

ClinVar aggregate classification (germline): Uncertain significance. Review status: criteria provided, multiple submitters, no conflicts (2 of 4 stars). 2 submissions from 2 submitters: Uncertain significance (2). Last evaluated 2022-03-28.

Allele frequency attached by ClinVar (database versions not stated): gnomAD exomes below 0.00001; gnomAD 0.00001; TOPMed 0.00002.
gnomAD v4.1: 6 of 1,613,736 alleles (0.00037%); highest among the groups gnomAD compares: African/African-American, 0.0067%; no homozygotes.

Submissions (2):

Labcorp Genetics (formerly Invitae), Labcorp
Classification: Uncertain significance. Last evaluated: 2022-03-28. Review status: criteria provided, single submitter. Criteria: Invitae Variant Classification Sherloc (09022015). Collection method: clinical testing. Allele origin: germline.
Comment: This sequence change replaces alanine, which is neutral and non-polar, with serine, which is neutral and polar, at codon 5131 of the ADGRV1 protein (p.Ala5131Ser). This variant is present in population databases (no rsID available, gnomAD no frequency). This variant has not been reported in the literature in individuals affected with ADGRV1-related conditions. ClinVar contains an entry for this variant (Variation ID: 1317938). Algorithms developed to predict the effect of missense changes on protein structure and function output the following: SIFT: "Tolerated"; PolyPhen-2: "Benign"; Align-GVGD: "Class C0". The serine amino acid residue is found in multiple mammalian species, which suggests that this missense change does not adversely affect protein function. In summary, the available evidence is currently insufficient to determine the role of this variant in disease. Therefore, it has been classified as a Variant of Uncertain Significance.

GeneDx
Classification: Uncertain significance. Last evaluated: 2020-06-29. Review status: criteria provided, single submitter. Criteria: GeneDx Variant Classification Process June 2021. Collection method: clinical testing. Allele origin: germline. Affected: yes.
Comment: Not observed at a significant frequency in large population cohorts (Lek et al., 2016); In silico analysis supports that this missense variant does not alter protein structure/function; Has not been previously published as pathogenic or benign to our knowledge